The following is an entry in ClinVar:

NM_007214.5(SEC63):c.2006_2007del (p.His669fs)

Gene: SEC63 (SEC63 homolog, protein translocation regulator; minus strand). Cytogenetic location: 6q21.
Variant type: Deletion.
Coding change: c.2006_2007del on transcript NM_007214.5 (MANE Select); coding-DNA positions 2006 to 2007, 2 bases deleted (AT; older notation c.2006_2007delAT).
Protein change: p.His669fs; shifts the reading frame from histidine 669.
Molecular consequence: frameshift variant.
Genome position (GRCh38, 1-based): chr6:107,876,591-107,876,592, AT deleted on the plus strand (AT on the coding strand, the reverse complement: SEC63 is on the minus strand). VCF-style (leftmost placement, unchanged base first): chr6-107876590-CAT-C. GRCh37 (hg19) VCF-style: chr6-108197794-CAT-C.
Other names: c.2006_2007delAT (NM_007214.4); c.2006_2007del (NM_007214.4); short protein forms H669fs.
Identifiers: ClinVar variation 1255624 (VCV001255624.5), dbSNP rs1403483213, ClinGen allele CA816962304.

ClinVar aggregate classification (germline): Pathogenic/Likely pathogenic. Review status: criteria provided, multiple submitters, no conflicts (2 of 4 stars). 4 submissions from 4 submitters: Pathogenic (2); Likely pathogenic (1). 1 of the submissions does not count toward it. Last evaluated 2024-04-04.

Conditions:
SEC63-related disorder. Also called: SEC63-related condition.
Polycystic liver disease 2 (PCLD2). Also called: Polycystic liver disease 2 with or without kidney cysts. Identifiers: Orphanet 2924, MedGen C4310769, MONDO:0014860, OMIM 617004.
Autosomal dominant polycystic liver disease. Also called: Congenital cystic disease of liver; Polycystic liver disease. Identifiers: Orphanet 2924, MedGen C0158683, MONDO:0000447, HP:0006557.

Allele frequency attached by ClinVar (database versions not stated): gnomAD 0.00001 and 0.00002.

Submissions (4):

Genomic Medicine Center of Excellence, King Faisal Specialist Hospital and Research Centre
Classification: Pathogenic for Polycystic liver disease 2. Last evaluated: 2024-04-04. Review status: criteria provided, single submitter. Criteria: ACMG Guidelines, 2015. Collection method: clinical testing. Allele origin: germline.

GeneDx
Classification: Likely pathogenic. Last evaluated: 2023-05-22. Review status: criteria provided, single submitter. Criteria: GeneDx Variant Classification Process June 2021. Collection method: clinical testing. Allele origin: germline. Affected: yes.
Comment: Frameshift variant predicted to result in protein truncation as the last 92 amino acids are replaced with 40 different amino acids, although loss-of-function variants have not been reported downstream of this position in the protein; Not observed at significant frequency in large population cohorts (gnomAD); This variant is associated with the following publications: (PMID: 15133510)

PreventionGenetics, part of Exact Sciences
Classification: Pathogenic for SEC63-related condition. Last evaluated: 2023-05-08. Review status: criteria provided, single submitter. Criteria: ACMG Guidelines, 2015. Collection method: clinical testing. Allele origin: germline.
Comment: The SEC63 c.2006_2007delAT variant is predicted to result in a frameshift and premature protein termination (p.His669Argfs*41). This variant was reported in a family with autosomal dominant polycystic liver disease and co-segregated with disease in five affected family members (Table 1 and Supplemental Figure 1, Davila S et al 2004. PubMed ID: 15133510). This variant has not been reported in a large population database, indicating this variant is rare. Frameshift variants in SEC63 are expected to be pathogenic. This variant is interpreted as pathogenic.

Laboratory of Gastroenterology and Hepatology, Radboud University Medical Center
Classification: Pathogenic for Autosomal dominant polycystic liver disease. Last evaluated: 2021-09-01. Review status: no assertion criteria provided. Collection method: research. Allele origin: germline. Affected: yes. Not counted in ClinVar's aggregate classification.